The following is an entry in ClinVar:

NM_000350.3(ABCA4):c.2653+2T>A

Gene: ABCA4 (ATP binding cassette subfamily A member 4; minus strand). Cytogenetic location: 1p22.1.
Variant type: single nucleotide variant.
Coding change: c.2653+2T>A on transcript NM_000350.3 (MANE Select); the canonical splice donor site of the intron after coding-DNA position 2653, T replaced by A.
Molecular consequence: splice donor variant.
Genome position (GRCh38, 1-based): chr1:94,051,631, A>T on the plus strand (T>A on the coding strand, the complement: ABCA4 is on the minus strand). VCF-style: chr1-94051631-A-T. GRCh37 (hg19) VCF-style: chr1-94517187-A-T.
Identifiers: ClinVar variation 2695060 (VCV002695060.3), dbSNP rs762823337, ClinGen allele CA341276061.

ClinVar aggregate classification (germline): Likely pathogenic (1 of 4 stars; one submission).

Submission:

Labcorp Genetics (formerly Invitae), Labcorp
Classification: Likely pathogenic. Last evaluated: 2023-11-11. Review status: criteria provided, single submitter. Criteria: Invitae Variant Classification Sherloc (09022015). Collection method: clinical testing. Allele origin: germline.
Comment: This sequence change affects a donor splice site in intron 17 of the ABCA4 gene. It is expected to disrupt RNA splicing. Variants that disrupt the donor or acceptor splice site typically lead to a loss of protein function (PMID: 16199547), and loss-of-function variants in ABCA4 are known to be pathogenic (PMID: 10958761, 24938718, 25312043, 26780318). This variant is not present in population databases (gnomAD no frequency). This variant has not been reported in the literature in individuals affected with ABCA4-related conditions. Algorithms developed to predict the effect of sequence changes on RNA splicing suggest that this variant may disrupt the consensus splice site. In summary, the currently available evidence indicates that the variant is pathogenic, but additional data are needed to prove that conclusively. Therefore, this variant has been classified as Likely Pathogenic.

Literature cited by the submitters: PubMed 16199547; PubMed 10958761; PubMed 24938718; PubMed 25312043; PubMed 26780318.